The following is an entry in ClinVar:

ClinVar aggregate classification (germline): Likely benign (1 of 4 stars; one submission).

Submission:

CeGaT Center for Human Genetics Tuebingen
Classification: Likely benign. Last evaluated: 2026-09-01. Review status: criteria provided, single submitter. Criteria: CeGaT Center For Human Genetics Tuebingen Variant Classification Criteria Version 2. Collection method: clinical testing. Allele origin: germline. Affected: yes. Observed: 1 variant allele.
Comment: TAMM41: PM2:Supporting, BP4, BP7

NM_001284401.2(TAMM41):c.937+65A>G

Gene: TAMM41 (TAM41 mitochondrial translocator assembly and maintenance homolog). Cytogenetic location: 3p25.2.
Variant type: single nucleotide variant.
Coding change: c.937+65A>G on transcript NM_001284401.2 (MANE Select); 65 bases into the intron after coding-DNA position 937, A replaced by G.
Molecular consequence: intron variant. On other transcripts: synonymous variant (1).
Genome position (GRCh38, 1-based): chr3:11,807,768, T>C on the plus strand (A>G on the coding strand, the complement: TAMM41 is on the minus strand). VCF-style: chr3-11807768-T-C. GRCh37 (hg19) VCF-style: chr3-11849242-T-C.
Other names: c.1002A>G, p.Leu334= (NM_001394474.1); c.874+1749A>G (NM_138807.4); c.814+65A>G (NM_001321294.2); c.439+65A>G (NM_001321295.2).
Identifiers: ClinVar variation 5041533 (VCV005041533.1).